The following is an entry in ClinVar:

ClinVar aggregate classification (germline): Uncertain significance (1 of 4 stars; one submission).

Conditions:
Autoimmune interstitial lung disease-arthritis syndrome. Also called: Autoinflammation and autoimmunity, systemic, with immune dysregulation. Identifiers: Orphanet 444092, MedGen C5975714, MONDO:0014629.

Submission:

Johns Hopkins Genomics, Johns Hopkins University
Classification: Uncertain significance for Autoinflammation and autoimmunity with immune dysregulation 1. Last evaluated: 2021-03-29. Review status: criteria provided, single submitter. Criteria: ACMG Guidelines, 2015. Collection method: clinical testing. Allele origin: germline.
Comment: COPA c.1874T>C is absent from a large population dataset and has not been reported in ClinVar nor the literature, to our knowledge. Three bioinformatic tools queried predict that this substitution would be damaging and the isoleucine residue at this position is evolutionarily conserved across all species assessed. This variant is located outside of the WD40 domain, where most disease-associated variants are located. We consider the clinical significance of c.1874T>C to be uncertain at this time.

Literature cited by the submitters: PubMed 25894502.

NM_004371.4(COPA):c.1874T>C (p.Ile625Thr)

Gene: COPA (coat protein complex I subunit alpha; minus strand). Cytogenetic location: 1q23.2.
Variant type: single nucleotide variant.
Coding change: c.1874T>C on transcript NM_004371.4 (MANE Select); coding-DNA position 1874, T replaced by C.
Protein change: p.Ile625Thr; replaces isoleucine 625 with threonine.
Molecular consequence: missense variant.
Genome position (GRCh38, 1-based): chr1:160,298,948, A>G on the plus strand (T>C on the coding strand, the complement: COPA is on the minus strand). VCF-style: chr1-160298948-A-G. GRCh37 (hg19) VCF-style: chr1-160268738-A-G.
Other names: c.1901T>C, p.Ile634Thr (NM_001098398.2); short protein forms I625T, I634T.
Identifiers: ClinVar variation 1048768 (VCV001048768.1), dbSNP rs2101829131, ClinGen allele CA343280419.